The following is an entry in ClinVar:

ClinVar aggregate classification (germline): Uncertain significance. Review status: criteria provided, multiple submitters, no conflicts (2 of 4 stars). 4 submissions from 4 submitters: Uncertain significance (4). Last evaluated 2026-01-19.

Conditions:
Neuroblastoma, susceptibility to, 3. Also called: ALK-Related Neuroblastic Tumor Susceptibility. Identifiers: Orphanet 635, MedGen C2751681, MONDO:0013083, OMIM 613014.
Hereditary cancer-predisposing syndrome. Also called: Tumor predisposition; Hereditary neoplastic syndrome; Hereditary Cancer Syndrome; Neoplastic Syndromes, Hereditary. Identifiers: Orphanet 140162, MedGen C0027672, MeSH D009386, MONDO:0015356.

Allele frequency attached by ClinVar (database versions not stated): TOPMed 0.00001; ExAC 0.00002; gnomAD exomes 0.00002; gnomAD 0.00003.
gnomAD v4.1: 81 of 1,614,134 alleles (0.005%); highest among the groups gnomAD compares: Non-Finnish European, 0.0061%; no homozygotes.

Submissions (4):

Labcorp Genetics (formerly Invitae), Labcorp
Classification: Uncertain significance for Neuroblastoma, susceptibility to, 3. Last evaluated: 2026-01-19. Review status: criteria provided, single submitter. Criteria: Invitae Variant Classification Sherloc (09022015). Collection method: clinical testing. Allele origin: germline.
Comment: This sequence change replaces glycine, which is neutral and non-polar, with arginine, which is basic and polar, at codon 850 of the ALK protein (p.Gly850Arg). This variant is present in population databases (rs200563480, gnomAD 0.008%). This variant has not been reported in the literature in individuals affected with ALK-related conditions. ClinVar contains an entry for this variant (Variation ID: 470797). An algorithm developed to predict the effect of missense changes on protein structure and function (PolyPhen-2) suggests that this variant is likely to be tolerated. In summary, the available evidence is currently insufficient to determine the role of this variant in disease. Therefore, it has been classified as a Variant of Uncertain Significance.

Ambry Genetics
Classification: Uncertain significance for Hereditary cancer-predisposing syndrome. Last evaluated: 2025-10-29. Review status: criteria provided, single submitter. Criteria: Ambry Variant Classification Scheme 2023. Collection method: clinical testing. Allele origin: germline.

GeneDx
Classification: Uncertain significance. Last evaluated: 2025-03-19. Review status: criteria provided, single submitter. Criteria: GeneDx Variant Classification Process June 2021. Collection method: clinical testing. Allele origin: germline.
Comment: In silico analysis indicates that this missense variant does not alter protein structure/function; Has not been previously published as pathogenic or benign to our knowledge; This variant is associated with the following publications: (PMID: 25054154)

Baylor Genetics
Classification: Uncertain significance for Neuroblastoma, susceptibility to, 3. Last evaluated: 2024-03-13. Review status: criteria provided, single submitter. Criteria: ACMG Guidelines, 2015. Collection method: clinical testing. Allele origin: unknown.

NM_004304.5(ALK):c.2548G>A (p.Gly850Arg)

Gene: ALK (ALK receptor tyrosine kinase; minus strand). Cytogenetic location: 2p23.2.
Variant type: single nucleotide variant.
Coding change: c.2548G>A on transcript NM_004304.5 (MANE Select); coding-DNA position 2548, G replaced by A.
Protein change: p.Gly850Arg; replaces glycine 850 with arginine.
Molecular consequence: missense variant.
Genome position (GRCh38, 1-based): chr2:29,232,388, C>T on the plus strand (G>A on the coding strand, the complement: ALK is on the minus strand). VCF-style: chr2-29232388-C-T. GRCh37 (hg19) VCF-style: chr2-29455254-C-T.
Other names: short protein forms G850R.
Identifiers: ClinVar variation 470797 (VCV000470797.18), dbSNP rs200563480, ClinGen allele CA1594267.
Genomic context (GRCh38, chr2:29,232,388, plus strand): 5'-GCCCTAGAACCGAGGAGTTATTCTCCAGTCTCTCTGGGTGGAACGTGTCTGTCTTGGCCC[C>T]GTAGGCCCTGCCACCACCTCCGGCTGCAATGATCAGGGGCACCGGCACTCCATCCTTCAT-3'
Protein context (NP_004295.2, residues 840-860): IAAGGGGRAY[Gly850Arg]AKTDTFHPER